The following is an entry in ClinVar:

NM_012193.4(FZD4):c.42_51del (p.Gly15fs)

Gene: FZD4 (frizzled class receptor 4; minus strand). Cytogenetic location: 11q14.2.
Variant type: Deletion.
Coding change: c.42_51del on transcript NM_012193.4 (MANE Select); coding-DNA positions 42 to 51, 10 bases deleted (CGGGGGCGTC; older notation c.42_51delCGGGGGCGTC).
Protein change: p.Gly15fs; shifts the reading frame from glycine 15.
Molecular consequence: frameshift variant.
Genome position (GRCh38, 1-based): chr11:86,955,035-86,955,044, GACGCCCCCG deleted on the plus strand (CGGGGGCGTC on the coding strand, the reverse complement: FZD4 is on the minus strand); deleting any 10 consecutive bases within chr11:86,955,035-86,955,045 gives the same sequence; the c. name uses the placement nearest the transcript's 3' end. VCF-style (leftmost placement, unchanged base first): chr11-86955034-CGACGCCCCCG-C. GRCh37 (hg19) VCF-style: chr11-86666076-CGACGCCCCCG-C.
Other names: short protein forms G15fs.
Identifiers: ClinVar variation 5000596 (VCV005000596.1).

ClinVar aggregate classification (germline): Likely pathogenic (1 of 4 stars; one submission).

Conditions:
FZD4-related disorder. Also called: FZD4-related condition.

Submission:

PreventionGenetics, part of Exact Sciences
Classification: Likely pathogenic for FZD4-related condition. Last evaluated: 2025-01-09. Review status: criteria provided, single submitter. Criteria: ACMG Guidelines, 2015. Collection method: clinical testing. Allele origin: germline.
Comment: The FZD4 c.42_51del10 variant is predicted to result in a frameshift and premature protein termination (p.Gly15Valfs*43). To our knowledge, this variant has not been reported in the literature or in a large population database (gnomAD), indicating this variant is rare. An overlapping deletion designated c.40_49del has been reported as segregating with disease in a large pedigree and in other unrelated individuals (Jia et al. 2010. PubMed ID: 20938005; Tao et al. 2021. PubMed ID: 34860240). Frameshift variants in FZD4 are an established mechanism of disease. This variant is interpreted as likely pathogenic.